The following is an entry in ClinVar:

ClinVar aggregate classification (germline): Pathogenic (1 of 4 stars; one submission).

Allele frequency attached by ClinVar (database versions not stated): TOPMed 0.00001; gnomAD 0.00001.

Submission:

Labcorp Genetics (formerly Invitae), Labcorp
Classification: Pathogenic. Last evaluated: 2025-10-27. Review status: criteria provided, single submitter. Criteria: Invitae Variant Classification Sherloc (09022015). Collection method: clinical testing. Allele origin: germline.
Comment: This sequence change creates a premature translational stop signal (p.Gly111Argfs*51) in the SKIV2L gene. It is expected to result in an absent or disrupted protein product. Loss-of-function variants in SKIV2L are known to be pathogenic (PMID: 22444670). This variant is not present in population databases (gnomAD no frequency). This variant has not been reported in the literature in individuals affected with SKIV2L-related conditions. ClinVar contains an entry for this variant (Variation ID: 2998690). For these reasons, this variant has been classified as Pathogenic.

Literature cited by the submitters: PubMed 22444670.

NM_006929.5(SKIC2):c.330dup (p.Gly111fs)

Gene: SKIC2 (SKI2 subunit of superkiller complex; plus strand). Cytogenetic location: 6p21.33.
Variant type: Duplication.
Coding change: c.330dup on transcript NM_006929.5 (MANE Select); coding-DNA position 330, one base duplicated (A; older notation c.330dupA).
Protein change: p.Gly111fs; shifts the reading frame from glycine 111.
Molecular consequence: frameshift variant.
Genome position (GRCh38, 1-based): chr6:31,960,313, A duplicated. VCF-style (leftmost placement, unchanged base first): chr6-31960312-C-CA. GRCh37 (hg19) VCF-style: chr6-31928089-C-CA.
Other names: short protein forms G111fs.
Identifiers: ClinVar variation 2998690 (VCV002998690.3), dbSNP rs1240155321, ClinGen allele CA823928672.
Genomic context (GRCh38, chr6:31,960,312, plus strand): 5'-TTTTGGCTGTCCTGGGAGCCCCAGTCCCATCCGACCTACAGGCCCAAAGACACCCAACCA[C>CA]AGGCCAGATACTGGGTTACAAAGAGGTAGGAGGTCAGGGGTCATGAGAAACAGTTGGGGA-3'